The following is an entry in ClinVar:

NM_000719.7(CACNA1C):c.1798A>C (p.Ile600Leu)

Gene: CACNA1C (calcium voltage-gated channel subunit alpha1 C; plus strand). Cytogenetic location: 12p13.33.
Variant type: single nucleotide variant.
Coding change: c.1798A>C on transcript NM_000719.7 (MANE Select); coding-DNA position 1798, A replaced by C.
Protein change: p.Ile600Leu; replaces isoleucine 600 with leucine.
Molecular consequence: missense variant.
Genome position (GRCh38, 1-based): chr12:2,567,697, A>C. VCF-style: chr12-2567697-A-C. GRCh37 (hg19) VCF-style: chr12-2676863-A-C.
Other names: c.1798A>C, p.Ile600Leu (NM_001129827.2, NM_001129829.2, NM_001129830.3 and 18 more transcripts); c.1789A>C, p.Ile597Leu (NM_001129844.2); short protein forms I597L, I600L.
Identifiers: ClinVar variation 4217781 (VCV004217781.1).
Genomic context (GRCh38, chr12:2,567,697, plus strand): 5'-CTGCAGGCCTACTTCGTGTCCCTCTTCAACCGCTTTGACTGCTTCGTCGTGTGTGGCGGC[A>C]TCCTGGAGACCATCCTGGTGGAGACCAAGATCATGTCCCCACTGGGCATCTCCGTGCTCA-3'
Protein context (NP_000710.5, residues 590-610): RFDCFVVCGG[Ile600Leu]LETILVETKI

ClinVar aggregate classification (germline): Uncertain significance (1 of 4 stars; one submission).

Conditions:
Cardiovascular phenotype. Identifiers: MedGen CN230736.

Submission:

Ambry Genetics
Classification: Uncertain significance for Cardiovascular phenotype. Last evaluated: 2025-09-08. Review status: criteria provided, single submitter. Criteria: Ambry Variant Classification Scheme 2023. Collection method: clinical testing. Allele origin: germline.
Comment: The p.I600L variant (also known as c.1798A>C), located in coding exon 13 of the CACNA1C gene, results from an A to C substitution at nucleotide position 1798. The isoleucine at codon 600 is replaced by leucine, an amino acid with highly similar properties. This amino acid position is highly conserved in available vertebrate species. In addition, this alteration is predicted to be deleterious by in silico analysis. Based on the available evidence, the clinical significance of this variant remains unclear.